The following is an entry in ClinVar:

ClinVar aggregate classification (germline): Likely benign. Review status: criteria provided, multiple submitters, no conflicts (2 of 4 stars). 4 submissions from 4 submitters: Likely benign (2). 2 of the submissions do not count toward it. Last evaluated 2026-01-19.

Conditions:
EYS-related disorder. Also called: EYS-related condition.
Retinitis pigmentosa 25 (RP25). Identifiers: Orphanet 791, MedGen C1864446, MONDO:0011272, OMIM 602772.

Allele frequency attached by ClinVar (database versions not stated): TOPMed 0.00009; gnomAD 0.00011; gnomAD exomes 0.00011 and 0.00016; ExAC 0.00018; ESP Exome Variant Server 0.00066.
gnomAD v4.1: 244 of 1,535,050 alleles (0.016%); highest among the groups gnomAD compares: Non-Finnish European, 0.019%; no homozygotes.

Submissions (4):

Labcorp Genetics (formerly Invitae), Labcorp
Classification: Likely benign. Last evaluated: 2026-01-19. Review status: criteria provided, single submitter. Criteria: Invitae Variant Classification Sherloc (09022015). Collection method: clinical testing. Allele origin: germline.

Blueprint Genetics
Classification: Likely benign. Last evaluated: 2024-10-22. Review status: criteria provided, single submitter. Criteria: ACMG Guidelines, 2015. Collection method: clinical testing. Allele origin: germline.

Natera, Inc.
Classification: Uncertain significance for Retinitis pigmentosa type 25. Last evaluated: 2020-01-17. Review status: no assertion criteria provided. Collection method: clinical testing. Allele origin: germline. Not counted in ClinVar's aggregate classification.

PreventionGenetics, part of Exact Sciences
Classification: Likely benign for EYS-related condition. Last evaluated: 2019-09-13. Review status: no assertion criteria provided. Collection method: clinical testing. Allele origin: germline. Not counted in ClinVar's aggregate classification.
Comment: This variant is classified as likely benign based on ACMG/AMP sequence variant interpretation guidelines (Richards et al. 2015 PMID: 25741868, with internal and published modifications).

NM_001142800.2(EYS):c.3858C>T (p.Asp1286=)

Gene: EYS (EGF-like photoreceptor maintenance factor; minus strand). Cytogenetic location: 6q12.
Variant type: single nucleotide variant.
Coding change: c.3858C>T on transcript NM_001142800.2 (MANE Select); coding-DNA position 3858, C replaced by T.
Protein change: p.Asp1286=; no amino-acid change (aspartic acid 1286 retained).
Molecular consequence: synonymous variant.
Genome position (GRCh38, 1-based): chr6:64,593,136, G>A on the plus strand (C>T on the coding strand, the complement: EYS is on the minus strand). VCF-style: chr6-64593136-G-A. GRCh37 (hg19) VCF-style: chr6-65303029-G-A.
Other names: c.3858C>T, p.Asp1286= (NM_001292009.2).
Identifiers: ClinVar variation 763085 (VCV000763085.14), dbSNP rs374941270, ClinGen allele CA3877124.